The following is an entry in ClinVar:

ClinVar aggregate classification (germline): Uncertain significance (1 of 4 stars; one submission).

Allele frequency attached by ClinVar (database versions not stated): TOPMed below 0.00001; gnomAD exomes 0.00001; gnomAD 0.00002.
gnomAD v4.1: 11 of 1,205,147 alleles (0.00091%); highest among the groups gnomAD compares: African/African-American, 0.0035%; no homozygotes.

Submission:

GeneDx
Classification: Uncertain significance. Last evaluated: 2024-04-13. Review status: criteria provided, single submitter. Criteria: GeneDx Variant Classification Process June 2021. Collection method: clinical testing. Allele origin: germline. Affected: yes.
Comment: In silico analysis supports that this missense variant does not alter protein structure/function; Has not been previously published as pathogenic or benign to our knowledge

NM_016120.4(RLIM):c.1865G>A (p.Ser622Asn)

Gene: RLIM (ring finger protein, LIM domain interacting; minus strand). Cytogenetic location: Xq13.2.
Variant type: single nucleotide variant.
Coding change: c.1865G>A on transcript NM_016120.4 (MANE Select); coding-DNA position 1865, G replaced by A.
Protein change: p.Ser622Asn; replaces serine 622 with asparagine.
Molecular consequence: missense variant.
Genome position (GRCh38, 1-based): chrX:74,591,450, C>T on the plus strand (G>A on the coding strand, the complement: RLIM is on the minus strand). VCF-style: chrX-74591450-C-T. GRCh37 (hg19) VCF-style: chrX-73811285-C-T.
Other names: c.1865G>A, p.Ser622Asn (NM_183353.3); short protein forms S622N.
Identifiers: ClinVar variation 451898 (VCV000451898.4), dbSNP rs1228495788, ClinGen allele CA413658722.
Genomic context (GRCh38, chrX:74,591,450, plus strand): 5'-CTGTTTGCCCATCACTATATCAGCTACATAGCTGAGAGTTCAGATCTTAATTACACAACA[C>T]TTTCTCTGTTACCAGAAGCTAAGACTGCTCTGCGACAAATAGGACAGGTAGAATTCTCAG-3'
Protein context (NP_057204.2, residues 612-624): RAVLASGNRE[Ser622Asn]VV